The following is an entry in ClinVar:

ClinVar aggregate classification (germline): Uncertain significance (1 of 4 stars; one submission).

Submission:

GeneDx
Classification: Uncertain significance. Last evaluated: 2021-06-18. Review status: criteria provided, single submitter. Criteria: GeneDx Variant Classification Process June 2021. Collection method: clinical testing. Allele origin: germline. Affected: yes.
Comment: Has not been previously published as pathogenic or benign to our knowledge; Not observed at significant frequency in large population cohorts (Lek et al., 2016); In silico analysis supports that this missense variant has a deleterious effect on protein structure/function; This variant is associated with the following publications: (PMID: 27535533)

NM_001378454.1(ALMS1):c.7756T>A (p.Cys2586Ser)

Gene: ALMS1 (ALMS1 centrosome and basal body associated protein; plus strand). Cytogenetic location: 2p13.1.
Variant type: single nucleotide variant.
Coding change: c.7756T>A on transcript NM_001378454.1 (MANE Select); coding-DNA position 7756, T replaced by A.
Protein change: p.Cys2586Ser; replaces cysteine 2586 with serine.
Molecular consequence: missense variant.
Genome position (GRCh38, 1-based): chr2:73,489,715, T>A. VCF-style: chr2-73489715-T-A. GRCh37 (hg19) VCF-style: chr2-73716842-T-A.
Other names: c.7759T>A, p.Cys2587Ser (NM_015120.4); short protein forms C2586S, C2587S.
Identifiers: ClinVar variation 1328663 (VCV001328663.2), dbSNP rs1485228491, ClinGen allele CA347264002.
Genomic context (GRCh38, chr2:73,489,715, plus strand): 5'-ATGGGATGCAAGCCAGAAGCTGTATGTAGTCACATTATTATTGAGAGCCATGAAAAGGGA[T>A]GTTTCCGGACTCTAACTTCTGAACATCCACAACTAGATAGACACCCTTGTGCTTTCAGAT-3'
Protein context (NP_001365383.1, residues 2576-2596): HIIIESHEKG[Cys2586Ser]FRTLTSEHPQ